The following is an entry in ClinVar:

NM_000218.3(KCNQ1):c.1724C>T (p.Ser575Phe)

Gene: KCNQ1 (potassium voltage-gated channel subfamily Q member 1; plus strand). Cytogenetic location: 11p15.5.
Variant type: single nucleotide variant.
Coding change: c.1724C>T on transcript NM_000218.3 (MANE Select); coding-DNA position 1724, C replaced by T.
Protein change: p.Ser575Phe; replaces serine 575 with phenylalanine.
Molecular consequence: missense variant.
Genome position (GRCh38, 1-based): chr11:2,777,024, C>T. VCF-style: chr11-2777024-C-T. GRCh37 (hg19) VCF-style: chr11-2798254-C-T.
Other names: c.1628C>T, p.Ser543Phe (NM_001406836.1); c.1454C>T, p.Ser485Phe (NM_001406837.1); c.1184C>T, p.Ser395Phe (NM_001406838.1); c.1343C>T, p.Ser448Phe (NM_181798.2); short protein forms S485F, S543F, S395F, S448F, S575F.
Identifiers: ClinVar variation 1778833 (VCV001778833.2), dbSNP rs2494142200, ClinGen allele CA379139334.

ClinVar aggregate classification (germline): Uncertain significance (1 of 4 stars; one submission).

Conditions:
Cardiovascular phenotype. Identifiers: MedGen CN230736.

Allele frequency attached by ClinVar (database versions not stated): gnomAD exomes below 0.00001.
gnomAD v4.1: 1 of 1,614,150 alleles (0.000062%); highest among the groups gnomAD compares: Non-Finnish European, 0.000085%; no homozygotes.

Submission:

Ambry Genetics
Classification: Uncertain significance for Cardiovascular phenotype. Last evaluated: 2018-01-05. Review status: criteria provided, single submitter. Criteria: Ambry Variant Classification Scheme 2023. Collection method: clinical testing. Allele origin: germline.
Comment: The p.S575F variant (also known as c.1724C>T), located in coding exon 14 of the KCNQ1 gene, results from a C to T substitution at nucleotide position 1724. The serine at codon 575 is replaced by phenylalanine, an amino acid with highly dissimilar properties. This variant co-segregated with disease in one small family tested in our laboratory. This amino acid position is poorly conserved in available vertebrate species. In addition, this alteration is predicted to be deleterious by in silico analysis. Since supporting evidence is limited at this time, the clinical significance of this alteration remains unclear.